The following is an entry in ClinVar:

ClinVar aggregate classification (germline): Uncertain significance (1 of 4 stars; one submission).

Submission:

Labcorp Genetics (formerly Invitae), Labcorp
Classification: Uncertain significance. Last evaluated: 2025-10-26. Review status: criteria provided, single submitter. Criteria: Invitae Variant Classification Sherloc (09022015). Collection method: clinical testing. Allele origin: germline.
Comment: This sequence change creates a premature translational stop signal (p.Tyr541*) in the GUF1 gene. It is expected to result in an absent or disrupted protein product. However, the current clinical and genetic evidence is not sufficient to establish whether loss-of-function variants in GUF1 cause disease. This variant is present in population databases (rs779767276, gnomAD 0.006%). This variant has not been reported in the literature in individuals affected with GUF1-related conditions. In summary, the available evidence is currently insufficient to determine the role of this variant in disease. Therefore, it has been classified as a Variant of Uncertain Significance.

NM_021927.3(GUF1):c.1623C>G (p.Tyr541Ter)

Gene: GUF1 (GTP binding elongation factor GUF1; plus strand). Cytogenetic location: 4p12.
Variant type: single nucleotide variant.
Coding change: c.1623C>G on transcript NM_021927.3 (MANE Select); coding-DNA position 1623, C replaced by G.
Protein change: p.Tyr541Ter; replaces tyrosine 541 with a stop codon.
Molecular consequence: nonsense.
Genome position (GRCh38, 1-based): chr4:44,694,421, C>G. VCF-style: chr4-44694421-C-G. GRCh37 (hg19) VCF-style: chr4-44696438-C-G.
Other names: c.651C>G, p.Tyr217Ter (NM_001345867.2, NM_001345869.2); c.1623C>G, p.Tyr541Ter (NM_001345868.2); short protein forms Y217*, Y541*.
Identifiers: ClinVar variation 4775255 (VCV004775255.1).
Genomic context (GRCh38, chr4:44,694,421, plus strand): 5'-GTAATCTCTCAGGAAGTGTAATATTTATCACTTGGACTTTTTTCCTTTTAGTTTTGATTA[C>G]GAAGATGCAGGCTACCAGACTGCAGAACTTGTAAAAATGGATATTCTACTGAATGGAAAT-3'